The following is an entry in ClinVar:

ClinVar aggregate classification (germline): Pathogenic (1 of 4 stars; one submission).

Conditions:
Multiple endocrine neoplasia, type 1 (MEN1). Also called: Endocrine adenomatosis multiple; MEN 1; MEA I; MEN I; WERMER SYNDROME. Identifiers: Orphanet 652, MedGen C0025267, MeSH D018761, MONDO:0007540, OMIM 131100.

Submission:

Labcorp Genetics (formerly Invitae), Labcorp
Classification: Pathogenic for Multiple endocrine neoplasia, type 1. Last evaluated: 2023-03-24. Review status: criteria provided, single submitter. Criteria: Invitae Variant Classification Sherloc (09022015). Collection method: clinical testing. Allele origin: unknown.
Comment: For these reasons, this variant has been classified as Pathogenic. This variant has not been reported in the literature in individuals affected with MEN1-related conditions. This variant is a gross deletion of the genomic region encompassing exon(s) 1-6 of the MEN1 gene, which includes the initiator codon. This deletion extends beyond the assayed region for this gene and therefore may encompass additional genes. It is expected to result in an absent or disrupted protein product. Loss-of-function variants in MEN1 are known to be pathogenic (PMID: 12112656, 17853334).

Literature cited by the submitters: PubMed 12112656; PubMed 17853334.

NC_000011.9:g.(?_64574479)_(64584006_?)del

Gene: MEN1 (menin 1; minus strand). Cytogenetic location: 11q13.1.
Variant type: Deletion.
Identifiers: ClinVar variation 3244548 (VCV003244548.1).